The following is an entry in ClinVar:

ClinVar aggregate classification (germline): Uncertain significance (1 of 4 stars; one submission).

Conditions:
Cardiovascular phenotype. Identifiers: MedGen CN230736.

Submission:

Ambry Genetics
Classification: Uncertain significance for Cardiovascular phenotype. Last evaluated: 2024-10-28. Review status: criteria provided, single submitter. Criteria: Ambry Variant Classification Scheme 2023. Collection method: clinical testing. Allele origin: germline.
Comment: The p.S76Y variant (also known as c.227C>A), located in coding exon 1 of the DOLK gene, results from a C to A substitution at nucleotide position 227. The serine at codon 76 is replaced by tyrosine, an amino acid with dissimilar properties. This amino acid position is conserved. In addition, the in silico prediction for this alteration is inconclusive. Based on the available evidence, the clinical significance of this variant remains unclear.

NM_014908.4(DOLK):c.227C>A (p.Ser76Tyr)

Gene: DOLK (dolichol kinase; minus strand). Cytogenetic location: 9q34.11.
Variant type: single nucleotide variant.
Coding change: c.227C>A on transcript NM_014908.4 (MANE Select); coding-DNA position 227, C replaced by A.
Protein change: p.Ser76Tyr; replaces serine 76 with tyrosine.
Molecular consequence: missense variant.
Genome position (GRCh38, 1-based): chr9:128,947,077, G>T on the plus strand (C>A on the coding strand, the complement: DOLK is on the minus strand). VCF-style: chr9-128947077-G-T. GRCh37 (hg19) VCF-style: chr9-131709356-G-T.
Other names: short protein forms S76Y.
Identifiers: ClinVar variation 3504704 (VCV003504704.1).